The following is an entry in ClinVar:

NM_001164508.2(NEB):c.19751T>G (p.Met6584Arg)

Gene: NEB (nebulin; minus strand). Cytogenetic location: 2q23.3.
Variant type: single nucleotide variant.
Coding change: c.19751T>G on transcript NM_001164508.2 (MANE Select); coding-DNA position 19751, T replaced by G.
Protein change: p.Met6584Arg; replaces methionine 6584 with arginine.
Molecular consequence: missense variant.
Genome position (GRCh38, 1-based): chr2:151,552,757, A>C on the plus strand (T>G on the coding strand, the complement: NEB is on the minus strand). VCF-style: chr2-151552757-A-C. GRCh37 (hg19) VCF-style: chr2-152409271-A-C.
Other names: c.19751T>G, p.Met6584Arg (NM_001164507.2, NM_001271208.2); c.14648T>G, p.Met4883Arg (NM_004543.5); short protein forms M4883R, M6584R.
Identifiers: ClinVar variation 331442 (VCV000331442.24), dbSNP rs190605644, ClinGen allele CA1907538.

ClinVar aggregate classification (germline): Conflicting classifications of pathogenicity. Review status: criteria provided, conflicting classifications (1 of 4 stars). 6 submissions from 6 submitters: Uncertain significance (3); Likely benign (2). 1 of the submissions does not count toward it. Last evaluated 2026-02-24.

Conditions:
Nemaline myopathy 2 (NEM2). Also called: Nemaline myopathy 2, autosomal recessive. Identifiers: MedGen C1850569, MONDO:0009725, OMIM 256030.

Allele frequency attached by ClinVar (database versions not stated): gnomAD 0.00010; ExAC 0.00019; gnomAD exomes 0.00020; TOPMed 0.00024; 1000 Genomes Project 0.00040; 1000 Genomes Project 30x 0.00047.
gnomAD v4.1: 89 of 1,612,826 alleles (0.0055%); highest among the groups gnomAD compares: East Asian, 0.19%; 1 homozygote.

Submissions (6):

Women's Health and Genetics/Laboratory Corporation of America, LabCorp
Classification: Uncertain significance. Last evaluated: 2026-02-24. Review status: criteria provided, single submitter. Criteria: LabCorp Variant Classification Summary - May 2015. Collection method: clinical testing. Allele origin: germline.
Comment: Variant summary: NEB c.19751T>G (p.Met6584Arg) results in a non-conservative amino acid change in the encoded protein sequence. Algorithms developed to predict the effect of missense changes on protein structure and function are either unavailable or do not agree on the potential impact of this missense change. The variant allele was found at a frequency of 0.0002 in 247622 control chromosomes. This frequency is not significantly higher than estimated for disease-causing variants in NEB, allowing no conclusion about variant significance. c.19751T>G has been observed in at least one individual affected with Nemaline Myopathy (example: Wang_2020). This report does not provide unequivocal conclusions about association of the variant with Nemaline Myopathy 2. To our knowledge, no experimental evidence demonstrating an impact on protein function has been reported. The following publication has been ascertained in the context of this evaluation (PMID: 32222963). ClinVar contains an entry for this variant (Variation ID: 331442). Based on the evidence outlined above, the variant was classified as uncertain significance.

Labcorp Genetics (formerly Invitae), Labcorp
Classification: Likely benign for Nemaline myopathy 2. Last evaluated: 2026-02-04. Review status: criteria provided, single submitter. Criteria: Invitae Variant Classification Sherloc (09022015). Collection method: clinical testing. Allele origin: germline.

GeneDx
Classification: Uncertain significance. Last evaluated: 2025-05-20. Review status: criteria provided, single submitter. Criteria: GeneDx Variant Classification Process June 2021. Collection method: clinical testing. Allele origin: germline. Affected: yes.
Comment: In silico analysis supports that this missense variant does not alter protein structure/function; This variant is associated with the following publications: (PMID: 32222963)

Blueprint Genetics
Classification: Likely benign. Last evaluated: 2024-06-13. Review status: criteria provided, single submitter. Criteria: ACMG Guidelines, 2015. Collection method: clinical testing. Allele origin: germline.

Illumina Laboratory Services, Illumina
Classification: Uncertain significance for Nemaline myopathy 2. Last evaluated: 2018-01-12. Review status: criteria provided, single submitter. Criteria: ICSL Variant Classification Criteria 13 December 2019. Collection method: clinical testing. Allele origin: germline.

Natera, Inc.
Classification: Likely benign for Nemaline myopathy type 2. Last evaluated: 2020-06-03. Review status: no assertion criteria provided. Collection method: clinical testing. Allele origin: germline. Not counted in ClinVar's aggregate classification.

Literature cited by the submitters: PubMed 32222963 (cited by Women's Health and Genetics/Laboratory Corporation of America, LabCorp).